The following is an entry in ClinVar:

ClinVar aggregate classification (germline): Uncertain significance (1 of 4 stars; one submission).

Submission:

Ambry Genetics
Classification: Uncertain significance. Last evaluated: 2025-12-07. Review status: criteria provided, single submitter. Criteria: Ambry Variant Classification Scheme 2023. Collection method: clinical testing. Allele origin: germline.
Comment: The p.V1371G variant (also known as c.4112T>G), located in coding exon 14 of the CDK12 gene, results from a T to G substitution at nucleotide position 4112. The valine at codon 1371 is replaced by glycine, an amino acid with dissimilar properties. This amino acid position is conserved. In addition, this alteration is predicted to be tolerated by in silico analysis. Based on the available evidence, the clinical significance of this variant remains unclear.

NM_016507.4(CDK12):c.4112T>G (p.Val1371Gly)

Gene: CDK12 (cyclin dependent kinase 12; plus strand). Cytogenetic location: 17q12.
Variant type: single nucleotide variant.
Coding change: c.4112T>G on transcript NM_016507.4 (MANE Select); coding-DNA position 4112, T replaced by G.
Protein change: p.Val1371Gly; replaces valine 1371 with glycine.
Molecular consequence: missense variant.
Genome position (GRCh38, 1-based): chr17:39,530,955, T>G. VCF-style: chr17-39530955-T-G. GRCh37 (hg19) VCF-style: chr17-37687208-T-G.
Other names: c.4085T>G, p.Val1362Gly (NM_015083.4); short protein forms V1371G, V1362G.
Identifiers: ClinVar variation 4651482 (VCV004651482.1).